The following is an entry in ClinVar:

ClinVar aggregate classification (germline): Pathogenic (1 of 4 stars; one submission).

Conditions:
Hereditary liability to pressure palsies (HNPP). Also called: POLYNEUROPATHY, FAMILIAL RECURRENT; TOMACULOUS NEUROPATHY; Hereditary Neuropathy with Liability to Pressure Palsies. Identifiers: Orphanet 640, MedGen C0393814, MONDO:0008087, OMIM 162500.

Submission:

New York Genome Center
Classification: Pathogenic for Hereditary liability to pressure palsies. Last evaluated: 2024-05-02. Review status: criteria provided, single submitter. Criteria: NYGC Assertion Criteria 2020. Collection method: clinical testing. Allele origin: inherited. Observed: 1 variant allele.
Comment: The 1.3Mb inherited deletion on the short arm of chromosome 17 contains the PMP22 gene associated with hereditary neuropathy with liability to pressure palsies (HNPP) [MIM#162500; AD]. This recurrent deletion is known as “17p12 recurrent (HNPP/CMT1A) region (includes PMP22)” and is associated with hereditary neuropathy with liability to pressure palsies, which is characterized by recurrent acute sensory and motor neuropathy in a single or multiple nerves [PMID: 20301566]. The disorder is thought to have 100% penetrance, but expressivity is highly variable even within the same family and approximately 80% of HNPP deletions are inherited [PMID: 20301566]. Clinical features are variable and age at onset is usually in adolescence or young adulthood, however HNPP in children has also been reported [PMID: 20301566, 26189194, 35658923]. The deleted region has been curated by ClinGen to have “sufficient evidence for haploinsufficiency”. Based on available evidence this ~1.3Mb inherited deletion at 17p12 is classified as Pathogenic.

Literature cited by the submitters: PubMed 20301566.

GRCh38/hg38 17p12(chr17:14196000-15520000)x1

Genes: CDRT15 (CMT1A duplicated region transcript 15; minus strand), CDRT3 (CMT1A duplicated region transcript 3; minus strand), CDRT4 (CMT1A duplicated region transcript 4; minus strand), CDRT7 (CMT1A duplicated region transcript 7; plus strand), CDRT8 (CMT1A duplicated region transcript 8; minus strand) and 24 more. Cytogenetic location: 17p12.
Variant type: copy number loss.
Change: copy number 1 (one copy instead of two) of chr17:14,196,000-15,520,000 (1.32 Mb, GRCh38 coordinates, 1-based), cytogenetic band 17p12.
Identifiers: ClinVar variation 4888414 (VCV004888414.1).